The following is an entry in ClinVar:

ClinVar aggregate classification (germline): Conflicting classifications of pathogenicity. Review status: criteria provided, conflicting classifications (1 of 4 stars). 2 submissions from 2 submitters: Uncertain significance (1); Likely benign (1). Last evaluated 2024-07-14.

Conditions:
Alstrom syndrome (ALMS). Identifiers: Orphanet 64, MedGen C0268425, MONDO:0008763, OMIM 203800.
Cardiovascular phenotype. Identifiers: MedGen CN230736.

Allele frequency attached by ClinVar (database versions not stated): TOPMed below 0.00001; gnomAD 0.00001.
gnomAD v4.1: 1 of 1,613,956 alleles (0.000062%); highest among the groups gnomAD compares: African/African-American, 0.0013%; no homozygotes.

Submissions (2):

Ambry Genetics
Classification: Likely benign for Cardiovascular phenotype. Last evaluated: 2024-07-14. Review status: criteria provided, single submitter. Criteria: Ambry Variant Classification Scheme 2023. Collection method: clinical testing. Allele origin: germline.

Labcorp Genetics (formerly Invitae), Labcorp
Classification: Uncertain significance for Alstrom syndrome. Last evaluated: 2024-02-24. Review status: criteria provided, single submitter. Criteria: Invitae Variant Classification Sherloc (09022015). Collection method: clinical testing. Allele origin: germline.
Comment: This sequence change replaces histidine, which is basic and polar, with arginine, which is basic and polar, at codon 2754 of the ALMS1 protein (p.His2754Arg). This variant is not present in population databases (gnomAD no frequency). This variant has not been reported in the literature in individuals affected with ALMS1-related conditions. ClinVar contains an entry for this variant (Variation ID: 2163478). Experimental studies and prediction algorithms are not available or were not evaluated, and the functional significance of this variant is currently unknown. In summary, the available evidence is currently insufficient to determine the role of this variant in disease. Therefore, it has been classified as a Variant of Uncertain Significance.

NM_001378454.1(ALMS1):c.8258A>G (p.His2753Arg)

Gene: ALMS1 (ALMS1 centrosome and basal body associated protein; plus strand). Cytogenetic location: 2p13.1.
Variant type: single nucleotide variant.
Coding change: c.8258A>G on transcript NM_001378454.1 (MANE Select); coding-DNA position 8258, A replaced by G.
Protein change: p.His2753Arg; replaces histidine 2753 with arginine.
Molecular consequence: missense variant.
Genome position (GRCh38, 1-based): chr2:73,490,217, A>G. VCF-style: chr2-73490217-A-G. GRCh37 (hg19) VCF-style: chr2-73717344-A-G.
Other names: c.8261A>G, p.His2754Arg (NM_015120.4); short protein forms H2754R, H2753R.
Identifiers: ClinVar variation 2163478 (VCV002163478.3), dbSNP rs1572969491, ClinGen allele CA347268018.